The following is an entry in ClinVar:

NM_016441.3(CRIM1):c.506-8C>T

Gene: CRIM1 (cysteine rich transmembrane BMP regulator 1). Cytogenetic location: 2p22.2.
Variant type: single nucleotide variant.
Coding change: c.506-8C>T on transcript NM_016441.3 (MANE Select); 8 bases into the intron before coding-DNA position 506, C replaced by T.
Molecular consequence: intron variant.
Genome position (GRCh38, 1-based): chr2:36,441,250, C>T. VCF-style: chr2-36441250-C-T. GRCh37 (hg19) VCF-style: chr2-36668393-C-T.
Identifiers: ClinVar variation 3045518 (VCV003045518.2), dbSNP rs370583153, ClinGen allele CA1609901.

ClinVar aggregate classification (germline): Likely benign (0 of 4 stars; one submission).

Conditions:
CRIM1-related disorder. Also called: CRIM1-related condition.

Allele frequency attached by ClinVar (database versions not stated): gnomAD exomes 0.00004; ExAC 0.00016; ESP Exome Variant Server 0.00038; 1000 Genomes Project 0.00040; gnomAD 0.00043; 1000 Genomes Project 30x 0.00047; TOPMed 0.00054.
gnomAD v4.1: 129 of 1,614,100 alleles (0.008%); highest among the groups gnomAD compares: African/African-American, 0.13%; no homozygotes.

Submission:

PreventionGenetics, part of Exact Sciences
Classification: Likely benign for CRIM1-related condition. Last evaluated: 2019-11-06. Review status: no assertion criteria provided. Collection method: clinical testing. Allele origin: germline.
Comment: This variant is classified as likely benign based on ACMG/AMP sequence variant interpretation guidelines (Richards et al. 2015 PMID: 25741868, with internal and published modifications).